The following is an entry in ClinVar:

ClinVar aggregate classification (germline): Likely benign (1 of 4 stars; one submission).

Conditions:
SYNE1-related disorder. Also called: SYNE1-related disease; SYNE1-related condition; SYNE1-related disorders.

gnomAD v4.1: 2 of 1,614,192 alleles (0.00012%); highest among the groups gnomAD compares: Admixed American, 0.0033%; no homozygotes.

Submission:

PreventionGenetics, part of Exact Sciences
Classification: Likely benign for SYNE1-related condition. Last evaluated: 2025-01-29. Review status: criteria provided, single submitter. Criteria: ACMG Guidelines, 2015. Collection method: clinical testing. Allele origin: germline.
Comment: This variant is classified as likely benign based on ACMG/AMP sequence variant interpretation guidelines (Richards et al. 2015 PMID: 25741868, with internal and published modifications).

NM_182961.4(SYNE1):c.7365A>C (p.Ser2455=)

Gene: SYNE1 (spectrin repeat containing nuclear envelope protein 1; minus strand). Cytogenetic location: 6q25.2.
Variant type: single nucleotide variant.
Coding change: c.7365A>C on transcript NM_182961.4 (MANE Select); coding-DNA position 7365, A replaced by C.
Protein change: p.Ser2455=; no amino-acid change (serine 2455 retained).
Molecular consequence: synonymous variant.
Genome position (GRCh38, 1-based): chr6:152,396,966, T>G on the plus strand (A>C on the coding strand, the complement: SYNE1 is on the minus strand). VCF-style: chr6-152396966-T-G. GRCh37 (hg19) VCF-style: chr6-152718101-T-G.
Other names: c.7386A>C, p.Ser2462= (NM_033071.5).
Identifiers: ClinVar variation 4984390 (VCV004984390.1).
Genomic context (GRCh38, chr6:152,396,966, plus strand): 5'-TGCATACAAAGTTTGTCCTTCTTGAGTCACTGCATCAAGTTTGCTCTGCCCATCACTGAC[T>G]GAGTCCAAAATGTTCTGTTTCAGGAAATAAAGGTAATAGGTCCATGGGACTATGCATTAC-3'
Protein context (NP_892006.3, residues 2445-2465): KLHDLQNILD[Ser2455=]VSDGQSKLDA